The following is an entry in ClinVar:

ClinVar aggregate classification (germline): Likely benign. Review status: criteria provided, single submitter (1 of 4 stars). 2 submissions from 2 submitters: Likely benign (1). 1 of the submissions does not count toward it. Last evaluated 2026-03-01.

Conditions:
TUBGCP2-related disorder. Also called: TUBGCP2-related condition.

Allele frequency attached by ClinVar (database versions not stated): 1000 Genomes Project 0.00060; 1000 Genomes Project 30x 0.00062; gnomAD 0.00113; TOPMed 0.00121; ExAC 0.00128; ESP Exome Variant Server 0.00146; gnomAD exomes 0.00152.
gnomAD v4.1: 2,325 of 1,584,612 alleles (0.15%); highest among the groups gnomAD compares: Middle Eastern, 0.19%; 5 homozygotes.

Submissions (2):

CeGaT Center for Human Genetics Tuebingen
Classification: Likely benign. Last evaluated: 2026-03-01. Review status: criteria provided, single submitter. Criteria: CeGaT Center For Human Genetics Tuebingen Variant Classification Criteria Version 2. Collection method: clinical testing. Allele origin: germline. Affected: yes. Observed: 3 variant alleles.
Comment: TUBGCP2: BP4, BS2

PreventionGenetics, part of Exact Sciences
Classification: Likely benign for TUBGCP2-related condition. Last evaluated: 2022-12-21. Review status: no assertion criteria provided. Collection method: clinical testing. Allele origin: germline. Not counted in ClinVar's aggregate classification.
Comment: This variant is classified as likely benign based on ACMG/AMP sequence variant interpretation guidelines (Richards et al. 2015 PMID: 25741868, with internal and published modifications).

NM_006659.4(TUBGCP2):c.1802C>T (p.Ala601Val)

Gene: TUBGCP2 (tubulin gamma complex component 2; minus strand). Cytogenetic location: 10q26.3.
Variant type: single nucleotide variant.
Coding change: c.1802C>T on transcript NM_006659.4 (MANE Select); coding-DNA position 1802, C replaced by T.
Protein change: p.Ala601Val; replaces alanine 601 with valine.
Molecular consequence: missense variant. On other transcripts: non-coding transcript variant (1).
Genome position (GRCh38, 1-based): chr10:133,285,549, G>A on the plus strand (C>T on the coding strand, the complement: TUBGCP2 is on the minus strand). VCF-style: chr10-133285549-G-A. GRCh37 (hg19) VCF-style: chr10-135099053-G-A.
Other names: c.1886C>T, p.Ala629Val (NM_001256617.2); c.1412C>T, p.Ala471Val (NM_001256618.2); c.1886C>T (NM_001256617.1); short protein forms A471V, A601V, A629V.
Identifiers: ClinVar variation 2641012 (VCV002641012.25), dbSNP rs151132456, ClinGen allele CA5763867.